The following is an entry in ClinVar:

ClinVar aggregate classification (germline): Benign/Likely benign. Review status: criteria provided, multiple submitters, no conflicts (2 of 4 stars). 4 submissions from 4 submitters: Benign (2); Likely benign (1). 1 of the submissions does not count toward it. Last evaluated 2026-06-17.

Conditions:
Polyps, multiple and recurrent inflammatory fibroid, gastrointestinal. Identifiers: MedGen C5193005, MONDO:0008285, OMIM 175510.
PDGFRA-related disorder. Also called: PDGFRA-related condition.
Hereditary cancer-predisposing syndrome. Also called: Neoplastic Syndromes, Hereditary; Hereditary neoplastic syndrome; Hereditary Cancer Syndrome; Tumor predisposition. Identifiers: Orphanet 140162, MedGen C0027672, MeSH D009386, MONDO:0015356.
Gastrointestinal stromal tumor. Also called: Gastrointestinal stromal tumor, somatic; Gastrointestinal stroma tumor. Identifiers: Orphanet 44890, MedGen C0238198, MeSH D046152, MONDO:0011719, OMIM 606764, HP:0100723.

Allele frequency attached by ClinVar (database versions not stated): gnomAD exomes 0.00003 and 0.00010; ExAC 0.00007; gnomAD 0.00019; ESP Exome Variant Server 0.00023; TOPMed 0.00027; 1000 Genomes Project 30x 0.00062; 1000 Genomes Project 0.00080.
gnomAD v4.1: 79 of 1,611,752 alleles (0.0049%); highest among the groups gnomAD compares: African/African-American, 0.063%; no homozygotes.

Submissions (4):

Myriad Genetics, Inc.
Classification: Benign for Polyps, multiple and recurrent inflammatory fibroid, gastrointestinal. Last evaluated: 2026-06-17. Review status: criteria provided, single submitter. Criteria: Myriad Autosomal Dominant, Autosomal Recessive and X-Linked Classification Criteria (2023). Collection method: clinical testing. Allele origin: unknown.
Comment: This variant is considered benign. This variant is a silent/synonymous amino acid change and it is not expected to impact splicing.

Labcorp Genetics (formerly Invitae), Labcorp
Classification: Benign for Gastrointestinal stromal tumor. Last evaluated: 2026-01-27. Review status: criteria provided, single submitter. Criteria: Invitae Variant Classification Sherloc (09022015). Collection method: clinical testing. Allele origin: germline.

Ambry Genetics
Classification: Likely benign for Hereditary cancer-predisposing syndrome. Last evaluated: 2018-09-27. Review status: criteria provided, single submitter. Criteria: Ambry Variant Classification Scheme 2023. Collection method: clinical testing. Allele origin: germline.

PreventionGenetics, part of Exact Sciences
Classification: Likely benign for PDGFRA-related condition. Last evaluated: 2022-09-03. Review status: no assertion criteria provided. Collection method: clinical testing. Allele origin: germline. Not counted in ClinVar's aggregate classification.
Comment: This variant is classified as likely benign based on ACMG/AMP sequence variant interpretation guidelines (Richards et al. 2015 PMID: 25741868, with internal and published modifications).

NM_006206.6(PDGFRA):c.2691C>T (p.Pro897=)

Gene: PDGFRA (platelet derived growth factor receptor alpha; plus strand). Cytogenetic location: 4q12.
Variant type: single nucleotide variant.
Coding change: c.2691C>T on transcript NM_006206.6 (MANE Select); coding-DNA position 2691, C replaced by T.
Protein change: p.Pro897=; no amino-acid change (proline 897 retained).
Molecular consequence: synonymous variant.
Genome position (GRCh38, 1-based): chr4:54,288,815, C>T. VCF-style: chr4-54288815-C-T. GRCh37 (hg19) VCF-style: chr4-55154982-C-T.
Other names: c.2766C>T, p.Pro922= (NM_001347828.2); c.2691C>T, p.Pro897= (NM_001347829.2); c.2730C>T, p.Pro910= (NM_001347830.2); c.2691C>T (NM_006206.5).
Identifiers: ClinVar variation 240332 (VCV000240332.19), dbSNP rs143711174, ClinGen allele CA2922925.